The following is an entry in ClinVar:

ClinVar aggregate classification (germline): Uncertain significance. Review status: criteria provided, multiple submitters, no conflicts (2 of 4 stars). 4 submissions from 4 submitters: Uncertain significance (3). 1 of the submissions does not count toward it. Last evaluated 2025-04-17.

Conditions:
Cardiovascular phenotype. Identifiers: MedGen CN230736.
Alstrom syndrome (ALMS). Identifiers: Orphanet 64, MedGen C0268425, MONDO:0008763, OMIM 203800.

Allele frequency attached by ClinVar (database versions not stated): gnomAD exomes 0.00001.
gnomAD v4.1: 8 of 1,614,182 alleles (0.0005%); highest among the groups gnomAD compares: Non-Finnish European, 0.00068%; no homozygotes.

Submissions (4):

Labcorp Genetics (formerly Invitae), Labcorp
Classification: Uncertain significance for Alstrom syndrome. Last evaluated: 2025-04-17. Review status: criteria provided, single submitter. Criteria: Invitae Variant Classification Sherloc (09022015). Collection method: clinical testing. Allele origin: germline.
Comment: This sequence change replaces glycine, which is neutral and non-polar, with valine, which is neutral and non-polar, at codon 3336 of the ALMS1 protein (p.Gly3336Val). This variant is present in population databases (no rsID available, gnomAD 0.002%). This variant has not been reported in the literature in individuals affected with ALMS1-related conditions. ClinVar contains an entry for this variant (Variation ID: 1035830). Experimental studies and prediction algorithms are not available or were not evaluated, and the functional significance of this variant is currently unknown. In summary, the available evidence is currently insufficient to determine the role of this variant in disease. Therefore, it has been classified as a Variant of Uncertain Significance.

Ambry Genetics
Classification: Uncertain significance for Cardiovascular phenotype. Last evaluated: 2023-06-27. Review status: criteria provided, single submitter. Criteria: Ambry Variant Classification Scheme 2023. Collection method: clinical testing. Allele origin: germline.
Comment: The p.G3336V variant (also known as c.10007G>T), located in coding exon 13 of the ALMS1 gene, results from a G to T substitution at nucleotide position 10007. The glycine at codon 3336 is replaced by valine, an amino acid with dissimilar properties. This amino acid position is highly conserved in available vertebrate species. In addition, this alteration is predicted to be deleterious by in silico analysis. Since supporting evidence is limited at this time, the clinical significance of this alteration remains unclear.

Fulgent Genetics
Classification: Uncertain significance for Alstrom syndrome. Last evaluated: 2021-07-20. Review status: criteria provided, single submitter. Criteria: ACMG Guidelines, 2015. Collection method: clinical testing. Allele origin: unknown.

Natera, Inc.
Classification: Uncertain significance for Alstrom syndrome. Last evaluated: 2020-09-02. Review status: no assertion criteria provided. Collection method: clinical testing. Allele origin: germline. Not counted in ClinVar's aggregate classification.

NM_001378454.1(ALMS1):c.10004G>T (p.Gly3335Val)

Gene: ALMS1 (ALMS1 centrosome and basal body associated protein; plus strand). Cytogenetic location: 2p13.1.
Variant type: single nucleotide variant.
Coding change: c.10004G>T on transcript NM_001378454.1 (MANE Select); coding-DNA position 10004, G replaced by T.
Protein change: p.Gly3335Val; replaces glycine 3335 with valine.
Molecular consequence: missense variant.
Genome position (GRCh38, 1-based): chr2:73,550,363, G>T. VCF-style: chr2-73550363-G-T. GRCh37 (hg19) VCF-style: chr2-73777490-G-T.
Other names: c.10007G>T, p.Gly3336Val (NM_015120.4); short protein forms G3336V, G3335V.
Identifiers: ClinVar variation 1035830 (VCV001035830.11), dbSNP rs1344858585, ClinGen allele CA347272120.